The following is an entry in ClinVar:

ClinVar aggregate classification (germline): Benign/Likely benign. Review status: criteria provided, multiple submitters, no conflicts (2 of 4 stars). 8 submissions from 8 submitters: Benign (3); Likely benign (3). 2 of the submissions do not count toward it. Last evaluated 2026-02-01.

Conditions:
Hypophosphatemic rickets, autosomal recessive, 1 (ARHR1). Also called: HYPOPHOSPHATEMIA, AUTOSOMAL RECESSIVE. Identifiers: Orphanet 289176, MedGen C4551495, MONDO:0009430, OMIM 241520. Disease mechanism: loss of function.

Allele frequency attached by ClinVar (database versions not stated): gnomAD exomes 0.00285 and 0.00461; ExAC 0.00513; gnomAD 0.01248 and 0.01341; ESP Exome Variant Server 0.01276; TOPMed 0.01424; 1000 Genomes Project 30x 0.01765; 1000 Genomes Project 0.01777.
gnomAD v4.1: 6,278 of 1,614,170 alleles (0.39%); highest among the groups gnomAD compares: African/African-American, 4%; 62 homozygotes.

Submissions (8):

Labcorp Genetics (formerly Invitae), Labcorp
Classification: Benign. Last evaluated: 2026-02-01. Review status: criteria provided, single submitter. Criteria: Invitae Variant Classification Sherloc (09022015). Collection method: clinical testing. Allele origin: germline.

Mayo Clinic Laboratories, Mayo Clinic
Classification: Benign. Last evaluated: 2025-09-11. Review status: criteria provided, single submitter. Criteria: ACMG Guidelines, 2015. Collection method: clinical testing. Allele origin: germline. Observed: 2 variant alleles.
Comment: BS1, BS2, BP4_moderate

Blueprint Genetics
Classification: Likely benign. Last evaluated: 2024-11-25. Review status: criteria provided, single submitter. Criteria: ACMG Guidelines, 2015. Collection method: clinical testing. Allele origin: germline.

GeneDx
Classification: Likely benign. Last evaluated: 2020-06-30. Review status: criteria provided, single submitter. Criteria: GeneDx Variant Classification Process June 2021. Collection method: clinical testing. Allele origin: germline. Affected: yes.

Illumina Laboratory Services, Illumina
Classification: Benign for Hypophosphatemic rickets, autosomal recessive, 1. Last evaluated: 2018-01-13. Review status: criteria provided, single submitter. Criteria: ICSL Variant Classification Criteria 13 December 2019. Collection method: clinical testing. Allele origin: germline.
Comment: This variant was observed in the ICSL laboratory as part of a predisposition screen in an ostensibly healthy population. It had not been previously curated by ICSL or reported in the Human Gene Mutation Database (HGMD: prior to June 1st, 2018), and was therefore a candidate for classification through an automated scoring system. Utilizing variant allele frequency, disease prevalence and penetrance estimates, and inheritance mode, an automated score was calculated to assess if this variant is too frequent to cause the disease. Based on the score and internal cut-off values, a variant classified as benign is not then subjected to further curation. The score for this variant resulted in a classification of benign for this disease.

Breakthrough Genomics
Classification: Likely benign. Review status: criteria provided, single submitter. Criteria: ACMG Guidelines, 2015. Collection method: not provided. Allele origin: germline. Inheritance: Autosomal recessive inheritance. Affected: yes.

Genome Diagnostics Laboratory, University Medical Center Utrecht
Classification: Likely benign. Review status: no assertion criteria provided. Collection method: clinical testing. Allele origin: germline. Affected: yes. Study: VKGL Data-share Consensus. Not counted in ClinVar's aggregate classification.

Laboratory of Diagnostic Genome Analysis, Leiden University Medical Center (LUMC)
Classification: Likely benign. Review status: no assertion criteria provided. Collection method: clinical testing. Allele origin: germline. Affected: yes. Study: VKGL Data-share Consensus. Not counted in ClinVar's aggregate classification.

NM_004407.4(DMP1):c.1388A>G (p.Lys463Arg)

Genes: DMP1 (dentin matrix acidic phosphoprotein 1; plus strand), DMP1-AS1 (DMP1 and DSPP antisense RNA 1; minus strand). Cytogenetic location: 4q22.1.
Variant type: single nucleotide variant.
Coding change: c.1388A>G on transcript NM_004407.4 (MANE Select); coding-DNA position 1388, A replaced by G.
Protein change: p.Lys463Arg; replaces lysine 463 with arginine.
Molecular consequence: missense variant.
Genome position (GRCh38, 1-based): chr4:87,663,166, A>G. VCF-style: chr4-87663166-A-G. GRCh37 (hg19) VCF-style: chr4-88584318-A-G.
Other names: c.1340A>G, p.Lys447Arg (NM_001079911.3); short protein forms K463R, K447R.
Identifiers: ClinVar variation 349985 (VCV000349985.20), dbSNP rs34661425, ClinGen allele CA3002191.